The following is an entry in ClinVar:

ClinVar aggregate classification (germline): Uncertain significance (1 of 4 stars; one submission).

Submission:

Labcorp Genetics (formerly Invitae), Labcorp
Classification: Uncertain significance. Last evaluated: 2020-07-24. Review status: criteria provided, single submitter. Criteria: Invitae Variant Classification Sherloc (09022015). Collection method: clinical testing. Allele origin: germline.
Comment: This variant has not been reported in the literature in individuals with KCNV2-related conditions. In summary, the available evidence is currently insufficient to determine the role of this variant in disease. Therefore, it has been classified as a Variant of Uncertain Significance. This variant is not present in population databases (ExAC no frequency). This sequence change results in a premature translational stop signal in the KCNV2 gene (p.Ser501Argfs*15). While this is not anticipated to result in nonsense mediated decay, it is expected to disrupt the last 45 amino acids of the KCNV2 protein.

NM_133497.4(KCNV2):c.1503_1512del (p.Ser501fs)

Gene: KCNV2 (potassium voltage-gated channel modifier subfamily V member 2; plus strand). Cytogenetic location: 9p24.2.
Variant type: Deletion.
Coding change: c.1503_1512del on transcript NM_133497.4 (MANE Select); coding-DNA positions 1503 to 1512, 10 bases deleted (CAAGCTGAAG; older notation c.1503_1512delCAAGCTGAAG).
Protein change: p.Ser501fs; shifts the reading frame from serine 501.
Molecular consequence: frameshift variant.
Genome position (GRCh38, 1-based): chr9:2,729,592-2,729,601, CAAGCTGAAG deleted; deleting any 10 consecutive bases within chr9:2,729,590-2,729,601 gives the same sequence; the c. name uses the placement nearest the transcript's 3' end. VCF-style (leftmost placement, unchanged base first): chr9-2729589-CAGCAAGCTGA-C. GRCh37 (hg19) VCF-style: chr9-2729589-CAGCAAGCTGA-C.
Other names: short protein forms S501fs.
Identifiers: ClinVar variation 958688 (VCV000958688.6), dbSNP rs1820030325, ClinGen allele CA1139660874.